The following is an entry in ClinVar:

ClinVar aggregate classification (germline): Uncertain significance (1 of 4 stars; one submission).

gnomAD v4.1: 1 of 1,559,700 alleles (0.000064%); highest among the groups gnomAD compares: African/African-American, 0.0014%; no homozygotes.

Submission:

Labcorp Genetics (formerly Invitae), Labcorp
Classification: Uncertain significance. Last evaluated: 2025-08-20. Review status: criteria provided, single submitter. Criteria: Invitae Variant Classification Sherloc (09022015). Collection method: clinical testing. Allele origin: germline.
Comment: This sequence change replaces alanine, which is neutral and non-polar, with aspartic acid, which is acidic and polar, at codon 502 of the CACNA1D protein (p.Ala502Asp). This variant is not present in population databases (gnomAD no frequency). This variant has not been reported in the literature in individuals affected with CACNA1D-related conditions. An algorithm developed to predict the effect of missense changes on protein structure and function (PolyPhen-2) suggests that this variant is likely to be tolerated. In summary, the available evidence is currently insufficient to determine the role of this variant in disease. Therefore, it has been classified as a Variant of Uncertain Significance.

NM_000720.4(CACNA1D):c.1505C>A (p.Ala502Asp)

Gene: CACNA1D (calcium voltage-gated channel subunit alpha1 D; plus strand). Cytogenetic location: 3p21.1.
Variant type: single nucleotide variant.
Coding change: c.1505C>A on transcript NM_000720.4 (MANE Plus Clinical); coding-DNA position 1505, C replaced by A.
Protein change: p.Ala502Asp; replaces alanine 502 with aspartic acid.
Molecular consequence: missense variant. On other transcripts: intron variant (2).
Genome position (GRCh38, 1-based): chr3:53,718,708, C>A. VCF-style: chr3-53718708-C-A. GRCh37 (hg19) VCF-style: chr3-53752735-C-A.
Other names: c.1478+320C>A (NM_001128840.3, NM_001128839.3); short protein forms A502D.
Identifiers: ClinVar variation 4770885 (VCV004770885.1).
Genomic context (GRCh38, chr3:53,718,708, plus strand): 5'-GGTGGTTAACCTGGCCACCTGCTGTGTCCATTAGGTGCTGGTGGAGACGGAGAGGCGCGG[C>A]CAAGGCGGGGCCCTCTGGGTGTCGGCGGTGGGGGTAAAGGCCTGATTCTCCTTCCAGCCT-3'
Protein context (NP_000711.1, residues 492-512): LWCWWRRRGA[Ala502Asp]KAGPSGCRRW